The following is an entry in ClinVar:

NM_001024630.4(RUNX2):c.233C>A (p.Ala78Glu)

Genes: RUNX2 (RUNX family transcription factor 2; plus strand), LOC109611589 (runt related transcription factor 2 polyalanine expansion region; plus strand). Cytogenetic location: 6p21.1.
Variant type: single nucleotide variant.
Coding change: c.233C>A on transcript NM_001024630.4 (MANE Select); coding-DNA position 233, C replaced by A.
Protein change: p.Ala78Glu; replaces alanine 78 with glutamic acid.
Molecular consequence: missense variant.
Genome position (GRCh38, 1-based): chr6:45,422,767, C>A. VCF-style: chr6-45422767-C-A. GRCh37 (hg19) VCF-style: chr6-45390504-C-A.
Other names: c.233C>A, p.Ala78Glu (NM_001015051.4); c.191C>A, p.Ala64Glu (NM_001278478.2, NM_001369405.1, NM_004348.3); short protein forms A64E, A78E.
Identifiers: ClinVar variation 2060210 (VCV002060210.4), dbSNP rs749974335, ClinGen allele CA363957999.
Genomic context (GRCh38, chr6:45,422,767, plus strand): 5'-AACAGCAGCAGCAGCAGCAGCAACAGCAGCAGCAGCAGCAGGAGGCGGCGGCGGCGGCTG[C>A]GGCGGCGGCGGCGGCTGCGGCGGCGGCAGCTGCAGTGCCCCGGTTGCGGCCGCCCCACGA-3'
Protein context (NP_001019801.3, residues 68-88): QQQQEAAAAA[Ala78Glu]AAAAAAAAAA

ClinVar aggregate classification (germline): Uncertain significance (1 of 4 stars; one submission).

Allele frequency attached by ClinVar (database versions not stated): gnomAD 0.00001.

Submission:

Labcorp Genetics (formerly Invitae), Labcorp
Classification: Uncertain significance. Last evaluated: 2025-11-01. Review status: criteria provided, single submitter. Criteria: Invitae Variant Classification Sherloc (09022015). Collection method: clinical testing. Allele origin: germline.
Comment: This sequence change replaces alanine, which is neutral and non-polar, with glutamic acid, which is acidic and polar, at codon 78 of the RUNX2 protein (p.Ala78Glu). This variant is not present in population databases (gnomAD no frequency). This variant has not been reported in the literature in individuals affected with RUNX2-related conditions. ClinVar contains an entry for this variant (Variation ID: 2060210). An algorithm developed to predict the effect of missense changes on protein structure and function (PolyPhen-2) suggests that this variant is likely to be tolerated. In summary, the available evidence is currently insufficient to determine the role of this variant in disease. Therefore, it has been classified as a Variant of Uncertain Significance.